The following is an entry in ClinVar:

NM_002241.5(KCNJ10):c.*266T>A

Gene: KCNJ10 (potassium inwardly rectifying channel subfamily J member 10; minus strand). Cytogenetic location: 1q23.2.
Variant type: single nucleotide variant.
Coding change: c.*266T>A on transcript NM_002241.5 (MANE Select); 266 bases downstream of the stop codon, T replaced by A.
Molecular consequence: 3 prime UTR variant.
Genome position (GRCh38, 1-based): chr1:160,041,127, A>T on the plus strand (T>A on the coding strand, the complement: KCNJ10 is on the minus strand). VCF-style: chr1-160041127-A-T. GRCh37 (hg19) VCF-style: chr1-160010917-A-T.
Identifiers: ClinVar variation 876468 (VCV000876468.4), dbSNP rs144487288, ClinGen allele CA31469608.

ClinVar aggregate classification (germline): Conflicting classifications of pathogenicity. Review status: criteria provided, conflicting classifications (1 of 4 stars). 2 submissions from 1 submitter: Uncertain significance (1); Likely benign (1). Last evaluated 2018-01-13.

Conditions:
Autosomal recessive nonsyndromic hearing loss 4 (DFNB4). Also called: Deafness, autosomal recessive 4; NEUROSENSORY NONSYNDROMIC RECESSIVE DEAFNESS 4; FOXI1-Related Pendred Syndrome; KCNJ10-Related Pendred Syndrome; DEAFNESS, AUTOSOMAL RECESSIVE 4, WITH ENLARGED VESTIBULAR AQUEDUCT, DIGENIC; Nonsyndromic enlarged vestibular aqueduct (NSEVA). Identifiers: Orphanet 90636, MedGen C3538946, MONDO:0010933, OMIM 600791.
EAST syndrome (SESAMES). Also called: SEIZURES, SENSORINEURAL DEAFNESS, ATAXIA, IMPAIRED INTELLECTUAL DEVELOPMENT, AND ELECTROLYTE IMBALANCE. Identifiers: Orphanet 199343, MedGen C2748572, MONDO:0013005, OMIM 612780.

Allele frequency attached by ClinVar (database versions not stated): gnomAD exomes 0.00051; 1000 Genomes Project 0.00319; 1000 Genomes Project 30x 0.00422; gnomAD 0.00426 and 0.00459; TOPMed 0.00507.

Submissions (2):

Illumina Laboratory Services, Illumina
Classification: Uncertain significance for Autosomal recessive nonsyndromic hearing loss 4. Last evaluated: 2018-01-13. Review status: criteria provided, single submitter. Criteria: ICSL Variant Classification Criteria 13 December 2019. Collection method: clinical testing. Allele origin: germline.

Illumina Laboratory Services, Illumina
Classification: Likely benign for EAST syndrome. Last evaluated: 2018-01-13. Review status: criteria provided, single submitter. Criteria: ICSL Variant Classification Criteria 13 December 2019. Collection method: clinical testing. Allele origin: germline.
Comment: This variant was observed in the ICSL laboratory as part of a predisposition screen in an ostensibly healthy population. It had not been previously curated by ICSL or reported in the Human Gene Mutation Database (HGMD: prior to June 1st, 2018), and was therefore a candidate for classification through an automated scoring system. Utilizing variant allele frequency, disease prevalence and penetrance estimates, and inheritance mode, an automated score was calculated to assess if this variant is too frequent to cause the disease. Based on the score and internal cut-off values, a variant classified as likely benign is not then subjected to further curation. The score for this variant resulted in a classification of likely benign for this disease.